The following is an entry in ClinVar:

NM_000478.6(ALPL):c.862+59G>T

Gene: ALPL (alkaline phosphatase, biomineralization associated; plus strand). Cytogenetic location: 1p36.12.
Variant type: single nucleotide variant.
Coding change: c.862+59G>T on transcript NM_000478.6 (MANE Select); 59 bases into the intron after coding-DNA position 862, G replaced by T.
Molecular consequence: intron variant.
Genome position (GRCh38, 1-based): chr1:21,570,433, G>T. VCF-style: chr1-21570433-G-T. GRCh37 (hg19) VCF-style: chr1-21896926-G-T.
Other names: c.862+59G>T (NM_001369805.2, NM_001369804.2, NM_001369803.2); c.697+59G>T (NM_001127501.4); c.631+59G>T (NM_001177520.3).
Identifiers: ClinVar variation 4086837 (VCV004086837.2).

ClinVar aggregate classification (germline): Likely benign (1 of 4 stars; one submission).

Conditions:
Hypophosphatasia. Also called: Phosphoethanol-aminuria. Identifiers: Orphanet 436, MedGen C0020630, MeSH D007014, MONDO:0018570.

gnomAD v4.1: 20 of 1,551,088 alleles (0.0013%); highest among the groups gnomAD compares: Non-Finnish European, 0.0014%; no homozygotes.

Submission:

Genomenon, Inc
Classification: Likely benign for Hypophosphatasia. Last evaluated: 2026-09-01. Review status: criteria provided, single submitter. Criteria: Genomenon Sequence Variant Interpretation Standards - Updated. Collection method: curation. Allele origin: germline. Affected: no.
Comment: ALPL c.862+59G>T is an intronic variant located in intron 8. This variant has been reported in the published literature (PMID:10737975). It is absent or not present at a significant frequency in gnomAD. This variant is not predicted to impact splicing. In conclusion, we classify ALPL c.862+59G>T as a likely benign variant.

Literature cited by the submitters: PubMed 10737975.